The following is an entry in ClinVar:

ClinVar aggregate classification (germline): Benign. Review status: criteria provided, multiple submitters, no conflicts (2 of 4 stars). 3 submissions from 3 submitters: Benign (2). 1 of the submissions does not count toward it. Last evaluated 2026-01-31.

Conditions:
TCN2-related disorder. Also called: TCN2-related condition.
Transcobalamin II deficiency (TCN2D). Also called: TC II DEFICIENCY; TCN2 DEFICIENCY; Transcolabamin II deficiency. Identifiers: Orphanet 859, MedGen C0342701, MONDO:0010149, OMIM 275350.

Allele frequency attached by ClinVar (database versions not stated): ESP Exome Variant Server 0.00008; gnomAD 0.00108 and 0.00144; TOPMed 0.00227; 1000 Genomes Project 30x 0.00593; 1000 Genomes Project 0.00699.
gnomAD v4.1: 1,848 of 1,614,146 alleles (0.11%); highest among the groups gnomAD compares: East Asian, 3.3%; 35 homozygotes.

Submissions (3):

Labcorp Genetics (formerly Invitae), Labcorp
Classification: Benign for Transcobalamin II deficiency. Last evaluated: 2026-01-31. Review status: criteria provided, single submitter. Criteria: Invitae Variant Classification Sherloc (09022015). Collection method: clinical testing. Allele origin: germline.

Illumina Laboratory Services, Illumina
Classification: Benign for Transcobalamin II deficiency. Last evaluated: 2018-01-12. Review status: criteria provided, single submitter. Criteria: ICSL Variant Classification Criteria 13 December 2019. Collection method: clinical testing. Allele origin: germline.
Comment: This variant was observed in the ICSL laboratory as part of a predisposition screen in an ostensibly healthy population. It had not been previously curated by ICSL or reported in the Human Gene Mutation Database (HGMD: prior to June 1st, 2018), and was therefore a candidate for classification through an automated scoring system. Utilizing variant allele frequency, disease prevalence and penetrance estimates, and inheritance mode, an automated score was calculated to assess if this variant is too frequent to cause the disease. Based on the score and internal cut-off values, a variant classified as benign is not then subjected to further curation. The score for this variant resulted in a classification of benign for this disease.

PreventionGenetics, part of Exact Sciences
Classification: Benign for TCN2-related condition. Last evaluated: 2019-09-23. Review status: no assertion criteria provided. Collection method: clinical testing. Allele origin: germline. Not counted in ClinVar's aggregate classification.
Comment: This variant is classified as benign based on ACMG/AMP sequence variant interpretation guidelines (Richards et al. 2015 PMID: 25741868, with internal and published modifications).

NM_000355.4(TCN2):c.998C>T (p.Thr333Met)

Gene: TCN2 (transcobalamin 2; plus strand). Cytogenetic location: 22q12.2.
Variant type: single nucleotide variant.
Coding change: c.998C>T on transcript NM_000355.4 (MANE Select); coding-DNA position 998, C replaced by T.
Protein change: p.Thr333Met; replaces threonine 333 with methionine.
Molecular consequence: missense variant.
Genome position (GRCh38, 1-based): chr22:30,617,387, C>T. VCF-style: chr22-30617387-C-T. GRCh37 (hg19) VCF-style: chr22-31013374-C-T.
Other names: c.917C>T, p.Thr306Met (NM_001184726.2); short protein forms T333M, T306M.
Identifiers: ClinVar variation 341208 (VCV000341208.17), dbSNP rs117458738, ClinGen allele CA10184928.